The following is an entry in ClinVar:

ClinVar aggregate classification (germline): Likely benign. Review status: criteria provided, multiple submitters, no conflicts (2 of 4 stars). 2 submissions from 2 submitters: Likely benign (2). Last evaluated 2025-12-08.

Conditions:
FGFR3-related disorder. Also called: FGFR3-related disorders.

Allele frequency attached by ClinVar (database versions not stated): gnomAD exomes below 0.00001; gnomAD 0.00001; TOPMed 0.00001; ExAC 0.00002.
gnomAD v4.1: 3 of 1,600,910 alleles (0.00019%); highest among the groups gnomAD compares: Admixed American, 0.0017%; no homozygotes.

Submissions (2):

PreventionGenetics, part of Exact Sciences
Classification: Likely benign for FGFR3-related condition. Last evaluated: 2025-12-08. Review status: criteria provided, single submitter. Criteria: ACMG Guidelines, 2015. Collection method: clinical testing. Allele origin: germline.
Comment: This variant is classified as likely benign based on ACMG/AMP sequence variant interpretation guidelines (Richards et al. 2015 PMID: 25741868, with internal and published modifications).

Labcorp Genetics (formerly Invitae), Labcorp
Classification: Likely benign. Last evaluated: 2025-04-17. Review status: criteria provided, single submitter. Criteria: Invitae Variant Classification Sherloc (09022015). Collection method: clinical testing. Allele origin: germline.

NM_000142.5(FGFR3):c.2169-6C>T

Gene: FGFR3 (fibroblast growth factor receptor 3; plus strand). Cytogenetic location: 4p16.3.
Variant type: single nucleotide variant.
Coding change: c.2169-6C>T on transcript NM_000142.5 (MANE Select); 6 bases into the intron before coding-DNA position 2169, C replaced by T.
Molecular consequence: intron variant.
Genome position (GRCh38, 1-based): chr4:1,806,823, C>T. VCF-style: chr4-1806823-C-T. GRCh37 (hg19) VCF-style: chr4-1808550-C-T.
Other names: c.2169-6C>T (NM_000142.4); c.2175-6C>T (NM_001163213.2); c.2172-6C>T (NM_001354809.2); c.2101-6C>T (NM_001354810.2); c.1833-6C>T (NM_022965.4).
Identifiers: ClinVar variation 1680130 (VCV001680130.9), dbSNP rs765235501, ClinGen allele CA2810766.